The following is an entry in ClinVar:

NM_001174147.2(LMX1B):c.957del (p.Ile319fs)

Gene: LMX1B (LIM homeobox transcription factor 1 beta; plus strand). Cytogenetic location: 9q33.3.
Variant type: Deletion.
Coding change: c.957del on transcript NM_001174147.2 (MANE Select); coding-DNA position 957, one base deleted (C; older notation c.957delC).
Protein change: p.Ile319fs; shifts the reading frame from isoleucine 319.
Molecular consequence: frameshift variant.
Genome position (GRCh38, 1-based): chr9:126,695,909, C deleted. VCF-style (leftmost placement, unchanged base first): chr9-126695908-TC-T. GRCh37 (hg19) VCF-style: chr9-129458187-TC-T.
Other names: c.990del, p.Ile330fs (NM_001174146.2); c.957del, p.Ile319fs (NM_002316.4); short protein forms I319fs, I330fs.
Identifiers: ClinVar variation 3068346 (VCV003068346.1), dbSNP rs2490695028, ClinGen allele CA2825001603.

ClinVar aggregate classification (germline): Likely pathogenic (1 of 4 stars; one submission).

Conditions:
Nail-patella-like renal disease. Also called: GLOMERULAR BASEMENT MEMBRANE DISEASE, NAIL-PATELLA SYNDROME TYPE; Focal Segmental Glomerulosclerosis 10. Identifiers: Orphanet 2613, MedGen C0403548, MONDO:0009724, OMIM 256020.

Submission:

MVZ Medizinische Genetik Mainz
Classification: Likely pathogenic for Nail-patella-like renal disease. Last evaluated: 2022-11-15. Review status: criteria provided, single submitter. Criteria: UK Practice Guidelines For Variant Classification V4 01 2020. Collection method: clinical testing. Allele origin: germline. Inheritance: Autosomal dominant inheritance. Affected: yes. Observed: 1 variant allele.
Comment: ACMG Criteria: PVS1, PM2_SUP